The following is an entry in ClinVar:

ClinVar aggregate classification (germline): Uncertain significance (0 of 4 stars; one submission).

Conditions:
CSMD1-related disorder. Also called: CSMD1-related condition.

Submission:

PreventionGenetics, part of Exact Sciences
Classification: Uncertain significance for CSMD1-related condition. Last evaluated: 2023-11-27. Review status: no assertion criteria provided. Collection method: clinical testing. Allele origin: germline.
Comment: The CSMD1 c.8594delC variant is predicted to result in a frameshift and premature protein termination (p.Pro2865Leufs*28). To our knowledge, this variant has not been reported in the literature or in a large population database, indicating this variant is rare. At this time, the clinical significance of this variant is uncertain due to the absence of conclusive functional and genetic evidence.

NM_033225.6(CSMD1):c.8594del (p.Pro2865fs)

Genes: CSMD1 (CUB and Sushi multiple domains 1; minus strand), LOC105377785 (uncharacterized LOC105377785; plus strand). Cytogenetic location: 8p23.2.
Variant type: Deletion.
Coding change: c.8594del on transcript NM_033225.6 (MANE Select); coding-DNA position 8594, one base deleted (C; older notation c.8594delC).
Protein change: p.Pro2865fs; shifts the reading frame from proline 2865.
Molecular consequence: frameshift variant.
Genome position (GRCh38, 1-based): chr8:2,974,597, G deleted on the plus strand (C on the coding strand, the reverse complement: CSMD1 is on the minus strand); the first of 3 consecutive G bases (chr8:2,974,597-2,974,599); deleting any one gives the same sequence. VCF-style (leftmost placement, unchanged base first): chr8-2974596-AG-A. GRCh37 (hg19) VCF-style: chr8-2832118-AG-A.
Other names: short protein forms P2865fs.
Identifiers: ClinVar variation 3031038 (VCV003031038.2), dbSNP rs2486703930, ClinGen allele CA2685979724.
Genomic context (GRCh38, chr8:2,974,596, plus strand): 5'-GCAGGAGTAGTGCACGACGGCGCCATAGGTAAACAGCTCTCCAGTGAGGACGGCGTTGGC[AG>A]GGACCCCTGGGTGTCCACACGATATAGCTTCAGAAAAAAGATAAAACAATTGAGTACATC-3'